The following is an entry in ClinVar:

ClinVar aggregate classification (germline): Uncertain significance. Review status: criteria provided, multiple submitters, no conflicts (2 of 4 stars). 2 submissions from 2 submitters: Uncertain significance (2). Last evaluated 2025-03-24.

Conditions:
Inborn genetic diseases. Identifiers: MedGen C0950123, MeSH D030342.
Charcot-Marie-Tooth disease type 1C. Also called: CMT, SLOW NERVE CONDUCTION TYPE C; CHARCOT-MARIE-TOOTH NEUROPATHY, TYPE 1C; NEUROPATHY, HEREDITARY MOTOR AND SENSORY, TYPE IC; Charcot-Marie-Tooth disease, type IC; CHARCOT-MARIE-TOOTH DISEASE, DEMYELINATING, TYPE 1C; HMSN IC. Identifiers: Orphanet 101083, MedGen C0270913, MONDO:0010995, OMIM 601098.

Allele frequency attached by ClinVar (database versions not stated): gnomAD exomes below 0.00001 and 0.00001; gnomAD 0.00001; TOPMed 0.00001.
gnomAD v4.1: 16 of 1,614,018 alleles (0.00099%); highest among the groups gnomAD compares: East Asian, 0.0022%; no homozygotes.

Submissions (2):

Labcorp Genetics (formerly Invitae), Labcorp
Classification: Uncertain significance for Charcot-Marie-Tooth disease type 1C. Last evaluated: 2025-03-24. Review status: criteria provided, single submitter. Criteria: Invitae Variant Classification Sherloc (09022015). Collection method: clinical testing. Allele origin: germline.
Comment: This sequence change replaces threonine, which is neutral and polar, with methionine, which is neutral and non-polar, at codon 78 of the LITAF protein (p.Thr78Met). The frequency data for this variant in the population databases is considered unreliable, as metrics indicate poor data quality at this position in the gnomAD database. This variant has not been reported in the literature in individuals affected with LITAF-related conditions. ClinVar contains an entry for this variant (Variation ID: 1405288). An algorithm developed to predict the effect of missense changes on protein structure and function (PolyPhen-2) suggests that this variant is likely to be disruptive. In summary, the available evidence is currently insufficient to determine the role of this variant in disease. Therefore, it has been classified as a Variant of Uncertain Significance.

Ambry Genetics
Classification: Uncertain significance for Inborn genetic diseases. Last evaluated: 2019-12-10. Review status: criteria provided, single submitter. Criteria: Ambry Variant Classification Scheme 2023. Collection method: clinical testing. Allele origin: germline.
Comment: The p.T78M variant (also known as c.233C>T), located in coding exon 2 of the LITAF gene, results from a C to T substitution at nucleotide position 233. The threonine at codon 78 is replaced by methionine, an amino acid with similar properties. This amino acid position is highly conserved in available vertebrate species. In addition, this alteration is predicted to be deleterious by in silico analysis. Since supporting evidence is limited at this time, the clinical significance of this alteration remains unclear.

NM_001136472.2(LITAF):c.233C>T (p.Thr78Met)

Gene: LITAF (lipopolysaccharide induced TNF factor; minus strand). Cytogenetic location: 16p13.13.
Variant type: single nucleotide variant.
Coding change: c.233C>T on transcript NM_001136472.2 (MANE Select); coding-DNA position 233, C replaced by T.
Protein change: p.Thr78Met; replaces threonine 78 with methionine.
Molecular consequence: missense variant. On other transcripts: non-coding transcript variant (1).
Genome position (GRCh38, 1-based): chr16:11,553,677, G>A on the plus strand (C>T on the coding strand, the complement: LITAF is on the minus strand). VCF-style: chr16-11553677-G-A. GRCh37 (hg19) VCF-style: chr16-11647533-G-A.
Other names: c.233C>T, p.Thr78Met (NM_001136473.1, NM_004862.4); short protein forms T78M.
Identifiers: ClinVar variation 1405288 (VCV001405288.10), dbSNP rs1228516620, ClinGen allele CA394766103.